The following is an entry in ClinVar:

NM_001267550.2(TTN):c.58687A>G (p.Ser19563Gly)

Genes: TTN (titin; minus strand), TTN-AS1 (TTN antisense RNA 1; plus strand). Cytogenetic location: 2q31.2.
Variant type: single nucleotide variant.
Coding change: c.58687A>G on transcript NM_001267550.2 (MANE Select); coding-DNA position 58687, A replaced by G.
Protein change: p.Ser19563Gly; replaces serine 19563 with glycine.
Molecular consequence: missense variant.
Genome position (GRCh38, 1-based): chr2:178,593,613, T>C on the plus strand (A>G on the coding strand, the complement: TTN is on the minus strand). VCF-style: chr2-178593613-T-C. GRCh37 (hg19) VCF-style: chr2-179458340-T-C.
Other names: c.53764A>G, p.Ser17922Gly (NM_001256850.1); c.31492A>G, p.Ser10498Gly (NM_003319.4); c.50983A>G, p.Ser16995Gly (NM_133378.4); c.31867A>G, p.Ser10623Gly (NM_133432.3); c.32068A>G, p.Ser10690Gly (NM_133437.4); short protein forms S10498G, S10623G, S10690G, S16995G, S17922G, S19563G.
Identifiers: ClinVar variation 4881967 (VCV004881967.2).
Genomic context (GRCh38, chr2:178,593,613, plus strand): 5'-AAACATAATGCATACTGAAACGATCTTTGGCTTTCATTGAATCAGACACCAGAGGATCAC[T>C]TATTCCATACAGATTTTCAGCATGTATCCGGAAAATATAATCTTTTCCTTCAAGTAGTTT-3'
Protein context (NP_001254479.2, residues 19553-19573): RIHAENLYGI[Ser19563Gly]DPLVSDSMKA

ClinVar aggregate classification (germline): Uncertain significance (1 of 4 stars; one submission).

Submission:

Dasa
Classification: Uncertain significance. Last evaluated: 2025-07-28. Review status: criteria provided, single submitter. Criteria: DASA Assertion Criteria. Collection method: clinical testing. Allele origin: germline.
Comment: NM_001267550.2(TTN):c.58687A>G (p.Ser19563Gly) is a missense variant that results in the substitution of serine with glycine. This variant is absent from population databases. The currently available literature and clinical evidence are not sufficient to establish a definitive association between this variant and the reported condition. Therefore, this variant is classified as a variant of uncertain significance.